The following is an entry in ClinVar:

NM_000238.4(KCNH2):c.2884_2887dup (p.Pro963fs)

Gene: KCNH2 (potassium voltage-gated channel subfamily H member 2; minus strand). Cytogenetic location: 7q36.1.
Variant type: Duplication.
Coding change: c.2884_2887dup on transcript NM_000238.4 (MANE Select); coding-DNA positions 2884 to 2887, 4 bases duplicated (AGGC; older notation c.2884_2887dupAGGC).
Protein change: p.Pro963fs; shifts the reading frame from proline 963.
Molecular consequence: frameshift variant. On other transcripts: non-coding transcript variant (2).
Genome position (GRCh38, 1-based): chr7:150,947,684-150,947,687, GCCT duplicated on the plus strand (AGGC on the coding strand, the reverse complement: KCNH2 is on the minus strand); duplicating any 4 consecutive bases within chr7:150,947,684-150,947,688 gives the same sequence; the c. name uses the placement nearest the transcript's 3' end. VCF-style (leftmost placement, unchanged base first): chr7-150947683-G-GGCCT. GRCh37 (hg19) VCF-style: chr7-150644771-G-GGCCT.
Other names: c.2884_2887dupAGGC (NM_000238.3, NM_000238.4); c.2596_2599dup, p.Pro867fs (NM_001406753.1); c.1864_1867dup, p.Pro623fs (NM_172057.3); short protein forms P623fs, P867fs, P963fs.
Identifiers: ClinVar variation 2637626 (VCV002637626.2), dbSNP rs2486007026, ClinGen allele CA2695199642.

ClinVar aggregate classification (germline): Pathogenic. Review status: criteria provided, multiple submitters, no conflicts (2 of 4 stars). 2 submissions from 2 submitters: Pathogenic (2). Last evaluated 2024-07-23.

Conditions:
Cardiac arrhythmia. Also called: Arrhythmia; Cardiac rhythm disease. Identifiers: MedGen C0003811, MONDO:0007263, HP:0011675.
Cardiovascular phenotype. Identifiers: MedGen CN230736.

Submissions (2):

Ambry Genetics
Classification: Pathogenic for Cardiovascular phenotype. Last evaluated: 2024-07-23. Review status: criteria provided, single submitter. Criteria: Ambry Variant Classification Scheme 2023. Collection method: clinical testing. Allele origin: germline.
Comment: The c.2884_2887dupAGGC pathogenic mutation, located in coding exon 12 of the KCNH2 gene, results from a duplication of AGGC at nucleotide position 2884, causing a translational frameshift with a predicted alternate stop codon (p.P963Qfs*157). This alteration occurs at the 3' terminus of theKCNH2 gene, is not expected to trigger nonsense-mediated mRNA decay, and only impacts the last 17% of the protein. However, premature stop codons are typically deleterious in nature and a significant portion of the protein is affected (Ambry internal data). This variant is considered to be rare based on population cohorts in the Genome Aggregation Database (gnomAD). Based on the supporting evidence, this variant is interpreted as a disease-causing mutation.

Women's Health and Genetics/Laboratory Corporation of America, LabCorp
Classification: Pathogenic for Cardiac arrhythmia. Last evaluated: 2023-10-09. Review status: criteria provided, single submitter. Criteria: LabCorp Variant Classification Summary - May 2015. Collection method: clinical testing. Allele origin: germline.
Comment: Variant summary: KCNH2 c.2884_2887dupAGGC (p.Pro963GlnfsX157) results in a premature termination codon, predicted to cause absence of the protein due to nonsense mediated decay, a commonly known mechanism for disease. The variant was absent in 218618 control chromosomes (gnomAD). To our knowledge, no occurrence of c.2884_2887dupAGGC in individuals affected with Arrhythmia or Long QT Syndrome and no experimental evidence demonstrating its impact on protein function have been reported. No submitters have cited clinical-significance assessments for this variant to ClinVar after 2014. Based on the evidence outlined above, the variant was classified as pathogenic.